The following is an entry in ClinVar:

ClinVar aggregate classification (germline): Likely benign (1 of 4 stars; one submission).

Allele frequency attached by ClinVar (database versions not stated): 1000 Genomes Project 30x 0.00031; 1000 Genomes Project 0.00040; ESP Exome Variant Server 0.00085; gnomAD exomes 0.00136; ExAC 0.00174; TOPMed 0.00175; gnomAD 0.00181.
gnomAD v4.1: 2,331 of 1,614,090 alleles (0.14%); highest among the groups gnomAD compares: Middle Eastern, 0.38%; 14 homozygotes.

Submission:

CeGaT Center for Human Genetics Tuebingen
Classification: Likely benign. Last evaluated: 2023-02-01. Review status: criteria provided, single submitter. Criteria: CeGaT Center For Human Genetics Tuebingen Variant Classification Criteria Version 2. Collection method: clinical testing. Allele origin: germline. Affected: yes. Observed: 1 variant allele.
Comment: PRSS38: BP4, BP7

NM_183062.3(PRSS38):c.369C>T (p.Ala123=)

Gene: PRSS38 (serine protease 38; plus strand). Cytogenetic location: 1q42.13.
Variant type: single nucleotide variant.
Coding change: c.369C>T on transcript NM_183062.3 (MANE Select); coding-DNA position 369, C replaced by T.
Protein change: p.Ala123=; no amino-acid change (alanine 123 retained).
Molecular consequence: synonymous variant.
Genome position (GRCh38, 1-based): chr1:227,817,266, C>T. VCF-style: chr1-227817266-C-T. GRCh37 (hg19) VCF-style: chr1-228004967-C-T.
Other names: c.369C>T, p.Ala123= (NM_001374657.2).
Identifiers: ClinVar variation 2639980 (VCV002639980.24), dbSNP rs142282956, ClinGen allele CA1428854.
Genomic context (GRCh38, chr1:227,817,266, plus strand): 5'-CAGGGACAAGAATATCAAAATCTATGACATGTACGTAGGCCTCGTAAACCTCAGGGTGGC[C>T]GGCAACCACACCCAGTGGTATGAGGTGAACAGGGTGATCCTGCACCCCACATATGAGATG-3'
Protein context (NP_898885.1, residues 113-133): MYVGLVNLRV[Ala123=]GNHTQWYEVN